The following is an entry in ClinVar:

ClinVar aggregate classification (germline): Uncertain significance. Review status: criteria provided, multiple submitters, no conflicts (2 of 4 stars). 2 submissions from 2 submitters: Uncertain significance (2). Last evaluated 2024-12-16.

Conditions:
Congenital myasthenic syndrome 17. Identifiers: Orphanet 590, MedGen C4225377, MONDO:0014578, OMIM 616304.
Sclerosteosis 2 (SOST2). Identifiers: Orphanet 3152, MedGen C3280402, MONDO:0013679, OMIM 614305.
Cenani-Lenz syndactyly syndrome. Also called: CENANI SYNDACTYLISM; SYNDACTYLY, TYPE VII. Identifiers: Orphanet 3258, MedGen C1859309, MONDO:0008931, OMIM 212780.

Allele frequency attached by ClinVar (database versions not stated): ExAC 0.00004; TOPMed 0.00004; ESP Exome Variant Server 0.00008.
gnomAD v4.1: 22 of 1,614,054 alleles (0.0014%); highest among the groups gnomAD compares: South Asian, 0.011%; no homozygotes.

Submissions (2):

Labcorp Genetics (formerly Invitae), Labcorp
Classification: Uncertain significance for Cenani-Lenz syndactyly syndrome; Sclerosteosis 2; Congenital myasthenic syndrome 17. Last evaluated: 2024-12-16. Review status: criteria provided, single submitter. Criteria: Invitae Variant Classification Sherloc (09022015). Collection method: clinical testing. Allele origin: germline.
Comment: This sequence change replaces glycine, which is neutral and non-polar, with arginine, which is basic and polar, at codon 1834 of the LRP4 protein (p.Gly1834Arg). This variant is present in population databases (rs142462686, gnomAD 0.01%). This variant has not been reported in the literature in individuals affected with LRP4-related conditions. ClinVar contains an entry for this variant (Variation ID: 941443). Invitae Evidence Modeling of protein sequence and biophysical properties (such as structural, functional, and spatial information, amino acid conservation, physicochemical variation, residue mobility, and thermodynamic stability) indicates that this missense variant is not expected to disrupt LRP4 protein function with a negative predictive value of 80%. In summary, the available evidence is currently insufficient to determine the role of this variant in disease. Therefore, it has been classified as a Variant of Uncertain Significance.

Fulgent Genetics
Classification: Uncertain significance for Cenani-Lenz syndactyly syndrome; Sclerosteosis 2; Congenital myasthenic syndrome 17. Last evaluated: 2024-04-15. Review status: criteria provided, single submitter. Criteria: ACMG Guidelines, 2015. Collection method: clinical testing. Allele origin: germline.

NM_002334.4(LRP4):c.5500G>C (p.Gly1834Arg)

Genes: LRP4 (LDL receptor related protein 4; minus strand), LRP4-AS1 (LRP4 antisense RNA 1; plus strand). Cytogenetic location: 11p11.2.
Variant type: single nucleotide variant.
Coding change: c.5500G>C on transcript NM_002334.4 (MANE Select); coding-DNA position 5500, G replaced by C.
Protein change: p.Gly1834Arg; replaces glycine 1834 with arginine.
Molecular consequence: missense variant.
Genome position (GRCh38, 1-based): chr11:46,859,201, C>G on the plus strand (G>C on the coding strand, the complement: LRP4 is on the minus strand). VCF-style: chr11-46859201-C-G. GRCh37 (hg19) VCF-style: chr11-46880752-C-G.
Other names: short protein forms G1834R.
Identifiers: ClinVar variation 941443 (VCV000941443.9), dbSNP rs142462686, ClinGen allele CA5969005.